The following is an entry in ClinVar:

ClinVar aggregate classification (germline): Uncertain significance (1 of 4 stars; one submission).

Conditions:
FGFR2-related craniosynostosis. Identifiers: MedGen CN231480.

gnomAD v4.1: 4 of 1,614,196 alleles (0.00025%); highest among the groups gnomAD compares: Non-Finnish European, 0.00017%; no homozygotes.

Submission:

Labcorp Genetics (formerly Invitae), Labcorp
Classification: Uncertain significance for FGFR2-related craniosynostosis. Last evaluated: 2024-10-08. Review status: criteria provided, single submitter. Criteria: Invitae Variant Classification Sherloc (09022015). Collection method: clinical testing. Allele origin: germline.
Comment: This sequence change replaces valine, which is neutral and non-polar, with leucine, which is neutral and non-polar, at codon 12 of the FGFR2 protein (p.Val12Leu). This variant is not present in population databases (gnomAD no frequency). This variant has not been reported in the literature in individuals affected with FGFR2-related conditions. An algorithm developed to predict the effect of missense changes on protein structure and function outputs the following: PolyPhen-2: "Benign". The leucine amino acid residue is found in multiple mammalian species, which suggests that this missense change does not adversely affect protein function. In summary, the available evidence is currently insufficient to determine the role of this variant in disease. Therefore, it has been classified as a Variant of Uncertain Significance.

NM_000141.5(FGFR2):c.34G>C (p.Val12Leu)

Gene: FGFR2 (fibroblast growth factor receptor 2; minus strand). Cytogenetic location: 10q26.13.
Variant type: single nucleotide variant.
Coding change: c.34G>C on transcript NM_000141.5 (MANE Select); coding-DNA position 34, G replaced by C.
Protein change: p.Val12Leu; replaces valine 12 with leucine.
Molecular consequence: missense variant. On other transcripts: non-coding transcript variant (1).
Genome position (GRCh38, 1-based): chr10:121,593,784, C>G on the plus strand (G>C on the coding strand, the complement: FGFR2 is on the minus strand). VCF-style: chr10-121593784-C-G. GRCh37 (hg19) VCF-style: chr10-123353298-C-G.
Other names: c.34G>C, p.Val12Leu (NM_001144913.1, NM_001144914.1, NM_001144915.2 and 7 more transcripts); short protein forms V12L.
Identifiers: ClinVar variation 3631496 (VCV003631496.2).